The following is an entry in ClinVar:

NM_002661.5(PLCG2):c.3557T>C (p.Met1186Thr)

Gene: PLCG2 (phospholipase C gamma 2; plus strand). Cytogenetic location: 16q23.3.
Variant type: single nucleotide variant.
Coding change: c.3557T>C on transcript NM_002661.5 (MANE Select); coding-DNA position 3557, T replaced by C.
Protein change: p.Met1186Thr; replaces methionine 1186 with threonine.
Molecular consequence: missense variant.
Genome position (GRCh38, 1-based): chr16:81,946,250, T>C. VCF-style: chr16-81946250-T-C. GRCh37 (hg19) VCF-style: chr16-81979855-T-C.
Other names: c.3557T>C, p.Met1186Thr (NM_001425749.1, NM_001425750.1, NM_001425751.1); short protein forms M1186T.
Identifiers: ClinVar variation 3694040 (VCV003694040.2).

ClinVar aggregate classification (germline): Uncertain significance (1 of 4 stars; one submission).

Conditions:
Familial cold autoinflammatory syndrome 3 (FCAS3). Also called: FAMILIAL ATYPICAL COLD URTICARIA; ANTIBODY DEFICIENCY AND IMMUNE DYSREGULATION, PLCG2-ASSOCIATED. Identifiers: Orphanet 300359, MedGen C3280914, MONDO:0013766, OMIM 614468.

Submission:

Labcorp Genetics (formerly Invitae), Labcorp
Classification: Uncertain significance for Familial cold autoinflammatory syndrome 3. Last evaluated: 2024-03-21. Review status: criteria provided, single submitter. Criteria: Invitae Variant Classification Sherloc (09022015). Collection method: clinical testing. Allele origin: germline.
Comment: This sequence change replaces methionine, which is neutral and non-polar, with threonine, which is neutral and polar, at codon 1186 of the PLCG2 protein (p.Met1186Thr). This variant is not present in population databases (gnomAD no frequency). This variant has not been reported in the literature in individuals affected with PLCG2-related conditions. Algorithms developed to predict the effect of missense changes on protein structure and function output the following: SIFT: "Not Available"; PolyPhen-2: "Benign"; Align-GVGD: "Not Available". The threonine amino acid residue is found in multiple mammalian species, which suggests that this missense change does not adversely affect protein function. In summary, the available evidence is currently insufficient to determine the role of this variant in disease. Therefore, it has been classified as a Variant of Uncertain Significance.